The following is an entry in ClinVar:

NC_000023.10:g.(?_31382270)_(31697723_?)dup

Gene: DMD (dystrophin; minus strand). Cytogenetic location: Xp21.2-21.1.
Variant type: Duplication.
Identifiers: ClinVar variation 3243264 (VCV003243264.1).

ClinVar aggregate classification (germline): Pathogenic (1 of 4 stars; one submission).

Conditions:
Duchenne muscular dystrophy (DMD). Also called: MUSCULAR DYSTROPHY, PSEUDOHYPERTROPHIC PROGRESSIVE, DUCHENNE TYPE; Duchenne Muscular Dystrophy (DMD). Identifiers: Orphanet 98896, MedGen C0013264, MONDO:0010679, OMIM 310200.

Submission:

Labcorp Genetics (formerly Invitae), Labcorp
Classification: Pathogenic for Duchenne muscular dystrophy. Last evaluated: 2022-09-27. Review status: criteria provided, single submitter. Criteria: Invitae Variant Classification Sherloc (09022015). Collection method: clinical testing. Allele origin: unknown.
Comment: For these reasons, this variant has been classified as Pathogenic. A similar copy number variant has been observed in individuals with Duchenne muscular dystrophy or Becker muscular dystrophy (PMID: 21815800, 29304097). This variant results in a copy number gain of the genomic region encompassing exon(s) 53-60 of the DMD gene. While the exact position of this variant cannot be determined from the data, sub-genic copy number gains are generally in tandem (PMID: 25640679). This variant is predicted to be out-of-frame, and may result in an absent or disrupted protein product. Loss-of-function variants in DMD are known to be pathogenic (PMID: 16770791, 25007885).

Literature cited by the submitters: PubMed 21815800; PubMed 29304097; PubMed 25640679; PubMed 16770791; PubMed 25007885.